The following is an entry in ClinVar:

NM_004525.3(LRP2):c.2908+10A>T

Gene: LRP2 (LDL receptor related protein 2; minus strand). Cytogenetic location: 2q31.1.
Variant type: single nucleotide variant.
Coding change: c.2908+10A>T on transcript NM_004525.3 (MANE Select); 10 bases into the intron after coding-DNA position 2908, A replaced by T.
Molecular consequence: intron variant.
Genome position (GRCh38, 1-based): chr2:169,247,368, T>A on the plus strand (A>T on the coding strand, the complement: LRP2 is on the minus strand). VCF-style: chr2-169247368-T-A. GRCh37 (hg19) VCF-style: chr2-170103878-T-A.
Other names: c.2908+10A>T (NM_004525.2).
Identifiers: ClinVar variation 3008523 (VCV003008523.4), dbSNP rs759074601, ClinGen allele CA1955182.
Genomic context (GRCh38, chr2:169,247,368, plus strand): 5'-AACAGGAGCCACTGTAACAAATAAATAAACCCATACAAAAAAATAAAAAAAACTGGGCAA[T>A]CTCACTCACCAGTCTGGATGTTGACATCATACGATTTCAAATGCAGTATGTAAGCAATGC-3'

ClinVar aggregate classification (germline): Likely benign. Review status: criteria provided, multiple submitters, no conflicts (2 of 4 stars). 2 submissions from 2 submitters: Likely benign (2). Last evaluated 2026-06-03.

Conditions:
LRP2-related disorder. Also called: LRP2-related condition.

Allele frequency attached by ClinVar (database versions not stated): gnomAD exomes below 0.00001; TOPMed below 0.00001; ExAC 0.00001.
gnomAD v4.1: 4 of 1,613,930 alleles (0.00025%); highest among the groups gnomAD compares: Admixed American, 0.005%; no homozygotes.

Submissions (2):

PreventionGenetics, part of Exact Sciences
Classification: Likely benign for LRP2-related condition. Last evaluated: 2026-06-03. Review status: criteria provided, single submitter. Criteria: ACMG Guidelines, 2015. Collection method: clinical testing. Allele origin: germline.
Comment: This variant is classified as likely benign based on ACMG/AMP sequence variant interpretation guidelines (Richards et al. 2015 PMID: 25741868, with internal and published modifications).

Labcorp Genetics (formerly Invitae), Labcorp
Classification: Likely benign. Last evaluated: 2025-09-10. Review status: criteria provided, single submitter. Criteria: Invitae Variant Classification Sherloc (09022015). Collection method: clinical testing. Allele origin: germline.